The following is an entry in ClinVar:

NM_015089.4(CUL9):c.6946C>T (p.Arg2316Trp)

Gene: CUL9 (cullin 9; plus strand). Cytogenetic location: 6p21.1.
Variant type: single nucleotide variant.
Coding change: c.6946C>T on transcript NM_015089.4 (MANE Select); coding-DNA position 6946, C replaced by T.
Protein change: p.Arg2316Trp; replaces arginine 2316 with tryptophan.
Molecular consequence: missense variant.
Genome position (GRCh38, 1-based): chr6:43,222,555, C>T. VCF-style: chr6-43222555-C-T. GRCh37 (hg19) VCF-style: chr6-43190293-C-T.
Other names: short protein forms R2316W.
Identifiers: ClinVar variation 3033174 (VCV003033174.2), dbSNP rs143984539, ClinGen allele CA3818836.

ClinVar aggregate classification (germline): Likely benign (0 of 4 stars; one submission).

Conditions:
CUL9-related disorder. Also called: CUL9-related condition.

Allele frequency attached by ClinVar (database versions not stated): 1000 Genomes Project 0.00060; 1000 Genomes Project 30x 0.00062; ExAC 0.00218; gnomAD 0.00252; TOPMed 0.00273; ESP Exome Variant Server 0.00284; gnomAD exomes 0.00321.

Submission:

PreventionGenetics, part of Exact Sciences
Classification: Likely benign for CUL9-related condition. Last evaluated: 2019-02-28. Review status: no assertion criteria provided. Collection method: clinical testing. Allele origin: germline.
Comment: This variant is classified as likely benign based on ACMG/AMP sequence variant interpretation guidelines (Richards et al. 2015 PMID: 25741868, with internal and published modifications).